The following is an entry in ClinVar:

NM_002941.4(ROBO1):c.1351G>A (p.Asp451Asn)

Gene: ROBO1 (roundabout guidance receptor 1; minus strand). Cytogenetic location: 3p12.3.
Variant type: single nucleotide variant.
Coding change: c.1351G>A on transcript NM_002941.4 (MANE Select); coding-DNA position 1351, G replaced by A.
Protein change: p.Asp451Asn; replaces aspartic acid 451 with asparagine.
Molecular consequence: missense variant.
Genome position (GRCh38, 1-based): chr3:78,670,293, C>T on the plus strand (G>A on the coding strand, the complement: ROBO1 is on the minus strand). VCF-style: chr3-78670293-C-T. GRCh37 (hg19) VCF-style: chr3-78719443-C-T.
Other names: c.1243G>A, p.Asp415Asn (NM_001145845.2, NM_133631.4); short protein forms D415N, D451N.
Identifiers: ClinVar variation 3314980 (VCV003314980.3).
Genomic context (GRCh38, chr3:78,670,293, plus strand): 5'-TGCCATCCACGGCTACAGTCTGATTCACAGGACCTTGTCGAATAACTGGGGGAGGCCGAT[C>T]TGCAATCACTGCCAGAAGAAACAACAGGAAATAGATTTCTGCAACTGGAAGCAATTTTCT-3'
Protein context (NP_002932.1, residues 441-461): AYLEVTDVIA[Asp451Asn]RPPPVIRQGP

ClinVar aggregate classification (germline): Uncertain significance. Review status: criteria provided, multiple submitters, no conflicts (2 of 4 stars). 2 submissions from 2 submitters: Uncertain significance (2). Last evaluated 2024-05-28.

Conditions:
Inborn genetic diseases. Identifiers: MedGen C0950123, MeSH D030342.

gnomAD v4.1: 40 of 1,558,866 alleles (0.0026%); highest among the groups gnomAD compares: African/African-American, 0.05%; no homozygotes.

Submissions (2):

Ambry Genetics
Classification: Uncertain significance for Inborn genetic diseases. Last evaluated: 2024-05-28. Review status: criteria provided, single submitter. Criteria: Ambry Variant Classification Scheme 2023. Collection method: clinical testing. Allele origin: germline.

Labcorp Genetics (formerly Invitae), Labcorp
Classification: Uncertain significance. Last evaluated: 2024-05-15. Review status: criteria provided, single submitter. Criteria: Invitae Variant Classification Sherloc (09022015). Collection method: clinical testing. Allele origin: germline.
Comment: This sequence change replaces aspartic acid, which is acidic and polar, with asparagine, which is neutral and polar, at codon 451 of the ROBO1 protein (p.Asp451Asn). This variant is present in population databases (rs373943301, gnomAD 0.05%). This variant has not been reported in the literature in individuals affected with ROBO1-related conditions. Advanced modeling of protein sequence and biophysical properties (such as structural, functional, and spatial information, amino acid conservation, physicochemical variation, residue mobility, and thermodynamic stability) performed at Invitae indicates that this missense variant is not expected to disrupt ROBO1 protein function with a negative predictive value of 95%. In summary, the available evidence is currently insufficient to determine the role of this variant in disease. Therefore, it has been classified as a Variant of Uncertain Significance.